The following is an entry in ClinVar:

ClinVar aggregate classification (germline): Benign/Likely benign. Review status: criteria provided, multiple submitters, no conflicts (2 of 4 stars). 3 submissions from 2 submitters: Benign (1); Likely benign (2). Last evaluated 2024-05-23.

Conditions:
Autosomal dominant cerebellar ataxia. Also called: Spinocerebellar Ataxia, Dominant. Identifiers: Orphanet 99, MedGen C4087347, MONDO:0020380.
Charcot-Marie-Tooth disease axonal type 2O. Also called: CHARCOT-MARIE-TOOTH NEUROPATHY, AXONAL, TYPE 2O; CHARCOT-MARIE-TOOTH DISEASE, AXONAL, AUTOSOMAL DOMINANT, TYPE 2O; Charcot-Marie-Tooth Neuropathy Type 2O; Charcot-Marie-Tooth disease, axonal, type 20. Identifiers: Orphanet 284232, MedGen C3280220, MONDO:0013644, OMIM 614228.

Allele frequency attached by ClinVar (database versions not stated): gnomAD 0.00001 and 0.00003; gnomAD exomes 0.00001 and 0.00002; ExAC 0.00002; TOPMed 0.00002; 1000 Genomes Project 30x 0.00031; 1000 Genomes Project 0.00040.
gnomAD v4.1: 24 of 1,614,122 alleles (0.0015%); highest among the groups gnomAD compares: East Asian, 0.042%; no homozygotes.

Submissions (3):

Labcorp Genetics (formerly Invitae), Labcorp
Classification: Benign for Charcot-Marie-Tooth disease axonal type 2O. Last evaluated: 2024-05-23. Review status: criteria provided, single submitter. Criteria: Invitae Variant Classification Sherloc (09022015). Collection method: clinical testing. Allele origin: germline.

Illumina Laboratory Services, Illumina
Classification: Likely benign for Charcot-Marie-Tooth disease axonal type 2O. Last evaluated: 2018-01-13. Review status: criteria provided, single submitter. Criteria: ICSL Variant Classification Criteria 13 December 2019. Collection method: clinical testing. Allele origin: germline.
Comment: This variant was observed in the ICSL laboratory as part of a predisposition screen in an ostensibly healthy population. It had not been previously curated by ICSL or reported in the Human Gene Mutation Database (HGMD: prior to June 1st, 2018), and was therefore a candidate for classification through an automated scoring system. Utilizing variant allele frequency, disease prevalence and penetrance estimates, and inheritance mode, an automated score was calculated to assess if this variant is too frequent to cause the disease. Based on the score and internal cut-off values, a variant classified as likely benign is not then subjected to further curation. The score for this variant resulted in a classification of likely benign for this disease.

Illumina Laboratory Services, Illumina
Classification: Likely benign for Spinocerebellar Ataxia, Dominant. Last evaluated: 2018-01-13. Review status: criteria provided, single submitter. Criteria: ICSL Variant Classification Criteria 13 December 2019. Collection method: clinical testing. Allele origin: germline.
Comment: the same text as in the submission from Illumina Laboratory Services, Illumina above.

NM_001376.5(DYNC1H1):c.4331C>T (p.Ala1444Val)

Gene: DYNC1H1 (dynein cytoplasmic 1 heavy chain 1; plus strand). Cytogenetic location: 14q32.31.
Variant type: single nucleotide variant.
Coding change: c.4331C>T on transcript NM_001376.5 (MANE Select); coding-DNA position 4331, C replaced by T.
Protein change: p.Ala1444Val; replaces alanine 1444 with valine.
Molecular consequence: missense variant.
Genome position (GRCh38, 1-based): chr14:102,001,290, C>T. VCF-style: chr14-102001290-C-T. GRCh37 (hg19) VCF-style: chr14-102467627-C-T.
Other names: short protein forms A1444V.
Identifiers: ClinVar variation 312627 (VCV000312627.14), dbSNP rs141561289, ClinGen allele CA7352209.